The following is an entry in ClinVar:

ClinVar aggregate classification (germline): Uncertain significance (1 of 4 stars; one submission).

Conditions:
Methylmalonic acidemia with homocystinuria, type cblX (MAHCX). Also called: INTELLECTUAL DEVELOPMENTAL DISORDER, X-LINKED 3. Identifiers: Orphanet 369962, MedGen C0796208, MONDO:0010657, OMIM 309541.

Allele frequency attached by ClinVar (database versions not stated): gnomAD exomes below 0.00001.
gnomAD v4.1: 5 of 1,208,648 alleles (0.00041%); highest among the groups gnomAD compares: South Asian, 0.0088%; no homozygotes.

Submission:

Labcorp Genetics (formerly Invitae), Labcorp
Classification: Uncertain significance for Methylmalonic acidemia with homocystinuria, type cblX. Last evaluated: 2023-02-16. Review status: criteria provided, single submitter. Criteria: Invitae Variant Classification Sherloc (09022015). Collection method: clinical testing. Allele origin: germline.
Comment: In summary, the available evidence is currently insufficient to determine the role of this variant in disease. Therefore, it has been classified as a Variant of Uncertain Significance. Advanced modeling of protein sequence and biophysical properties (such as structural, functional, and spatial information, amino acid conservation, physicochemical variation, residue mobility, and thermodynamic stability) has been performed at Invitae for this missense variant, however the output from this modeling did not meet the statistical confidence thresholds required to predict the impact of this variant on HCFC1 protein function. This variant has not been reported in the literature in individuals affected with HCFC1-related conditions. This variant is not present in population databases (gnomAD no frequency). This sequence change replaces threonine, which is neutral and polar, with asparagine, which is neutral and polar, at codon 787 of the HCFC1 protein (p.Thr787Asn).

NM_005334.3(HCFC1):c.2360C>A (p.Thr787Asn)

Gene: HCFC1 (host cell factor C1; minus strand). Cytogenetic location: Xq28.
Variant type: single nucleotide variant.
Coding change: c.2360C>A on transcript NM_005334.3 (MANE Select); coding-DNA position 2360, C replaced by A.
Protein change: p.Thr787Asn; replaces threonine 787 with asparagine.
Molecular consequence: missense variant.
Genome position (GRCh38, 1-based): chrX:153,957,054, G>T on the plus strand (C>A on the coding strand, the complement: HCFC1 is on the minus strand). VCF-style: chrX-153957054-G-T. GRCh37 (hg19) VCF-style: chrX-153222505-G-T.
Other names: c.2360C>A, p.Thr787Asn (NM_001410705.1); short protein forms T787N.
Identifiers: ClinVar variation 2838029 (VCV002838029.3), dbSNP rs868910094, ClinGen allele CA415130523.